The following is an entry in ClinVar:

NM_032634.4(PIGO):c.204G>A (p.Ser68=)

Gene: PIGO (phosphatidylinositol glycan anchor biosynthesis class O; minus strand). Cytogenetic location: 9p13.3.
Variant type: single nucleotide variant.
Coding change: c.204G>A on transcript NM_032634.4 (MANE Select); coding-DNA position 204, G replaced by A.
Protein change: p.Ser68=; no amino-acid change (serine 68 retained).
Molecular consequence: synonymous variant.
Genome position (GRCh38, 1-based): chr9:35,095,362, C>T on the plus strand (G>A on the coding strand, the complement: PIGO is on the minus strand). VCF-style: chr9-35095362-C-T. GRCh37 (hg19) VCF-style: chr9-35095359-C-T.
Other names: c.204G>A, p.Ser68= (NM_001201484.2, NM_152850.4).
Identifiers: ClinVar variation 2197318 (VCV002197318.2), dbSNP rs769904371, ClinGen allele CA192716772.

ClinVar aggregate classification (germline): Conflicting classifications of pathogenicity. Review status: criteria provided, conflicting classifications (1 of 4 stars). 2 submissions from 2 submitters: Uncertain significance (1); Likely benign (1). Last evaluated 2024-11-14.

Conditions:
Hyperphosphatasia with impaired intellectual development syndrome 2. Also called: Hyperphosphatasia with intellectual disability syndrome 2; GLYCOSYLPHOSPHATIDYLINOSITOL BIOSYNTHESIS DEFECT 6. Identifiers: Orphanet 247262, MedGen C3553637, MONDO:0013882, OMIM 614749.

Allele frequency attached by ClinVar (database versions not stated): TOPMed 0.00001; gnomAD 0.00002; gnomAD exomes 0.00002.
gnomAD v4.1: 38 of 1,614,002 alleles (0.0024%); highest among the groups gnomAD compares: East Asian, 0.0045%; no homozygotes.

Submissions (2):

Blueprint Genetics
Classification: Likely benign. Last evaluated: 2024-11-14. Review status: criteria provided, single submitter. Criteria: ACMG Guidelines, 2015. Collection method: clinical testing. Allele origin: germline.

Labcorp Genetics (formerly Invitae), Labcorp
Classification: Uncertain significance for Hyperphosphatasia with impaired intellectual development syndrome 2. Last evaluated: 2022-07-20. Review status: criteria provided, single submitter. Criteria: Invitae Variant Classification Sherloc (09022015). Collection method: clinical testing. Allele origin: germline.
Comment: This sequence change affects codon 68 of the PIGO mRNA. It is a 'silent' change, meaning that it does not change the encoded amino acid sequence of the PIGO protein. This variant is present in population databases (rs769904371, gnomAD 0.005%). This variant has not been reported in the literature in individuals affected with PIGO-related conditions. Algorithms developed to predict the effect of sequence changes on RNA splicing suggest that this variant may create or strengthen a splice site. In summary, the available evidence is currently insufficient to determine the role of this variant in disease. Therefore, it has been classified as a Variant of Uncertain Significance.